The following is an entry in ClinVar:

ClinVar aggregate classification (germline): Uncertain significance (1 of 4 stars; one submission).

Conditions:
Developmental and epileptic encephalopathy, 9 (DEE9). Also called: Early infantile epileptic encephalopathy 9; EPILEPSY, FEMALE-RESTRICTED, WITH MENTAL RETARDATION; JUBERG-HELLMAN SYNDROME; PCDH19-Related X-Linked Female-Limited Epilepsy with Mental Retardation. Identifiers: Orphanet 101039, Orphanet 2076, MedGen C1848137, MONDO:0010246, OMIM 300088. Disease mechanism: loss of function.

Submission:

Labcorp Genetics (formerly Invitae), Labcorp
Classification: Uncertain significance for Developmental and epileptic encephalopathy, 9. Last evaluated: 2023-11-27. Review status: criteria provided, single submitter. Criteria: Invitae Variant Classification Sherloc (09022015). Collection method: clinical testing. Allele origin: germline.
Comment: This variant, c.703_705del, results in the deletion of 1 amino acid(s) of the PCDH19 protein (p.Asn235del), but otherwise preserves the integrity of the reading frame. This variant is not present in population databases (gnomAD no frequency). This variant has not been reported in the literature in individuals affected with PCDH19-related conditions. ClinVar contains an entry for this variant (Variation ID: 951975). Experimental studies and prediction algorithms are not available or were not evaluated, and the functional significance of this variant is currently unknown. In summary, the available evidence is currently insufficient to determine the role of this variant in disease. Therefore, it has been classified as a Variant of Uncertain Significance.

NM_001184880.2(PCDH19):c.700AAC[1] (p.Asn235del)

Gene: PCDH19 (protocadherin 19; minus strand). Cytogenetic location: Xq22.1.
Variant type: Microsatellite.
Coding change: c.700AAC[1] on transcript NM_001184880.2 (MANE Select); one copy of the 3-base unit AAC starting at c.700; the reference has two copies in a row; one copy, 3 bases deleted.
Protein change: p.Asn235del; deletes asparagine 235.
Molecular consequence: inframe deletion.
Genome position (GRCh38, 1-based): chrX:100,407,893-100,407,895, GTT deleted on the plus strand (AAC on the coding strand, the reverse complement: PCDH19 is on the minus strand); deleting any 3 consecutive bases within chrX:100,407,893-100,407,900 gives the same sequence; the position shown is the placement nearest the transcript's 3' end. VCF-style (leftmost placement, unchanged base first): chrX-100407892-GGTT-G. GRCh37 (hg19) VCF-style: chrX-99662890-GGTT-G.
Other names: c.700AAC[1], p.Asn235del (NM_001105243.2, NM_020766.3); short protein forms N235del.
Identifiers: ClinVar variation 951975 (VCV000951975.10), dbSNP rs1928438102, ClinGen allele CA2447976910.